The following is an entry in ClinVar:

ClinVar aggregate classification (germline): Uncertain significance (1 of 4 stars; one submission).

Conditions:
Autosomal recessive mendelian susceptibility to mycobacterial diseases due to complete RORgamma receptor deficiency. Also called: Immunodeficiency 42. Identifiers: Orphanet 477857, MedGen C5567647, MONDO:0014710, OMIM 616622.

Allele frequency attached by ClinVar (database versions not stated): gnomAD exomes below 0.00001 and 0.00001; ExAC 0.00001.
gnomAD v4.1: 9 of 1,581,970 alleles (0.00057%); highest among the groups gnomAD compares: East Asian, 0.0045%; no homozygotes.

Submission:

Labcorp Genetics (formerly Invitae), Labcorp
Classification: Uncertain significance for Autosomal recessive mendelian susceptibility to mycobacterial diseases due to complete RORgamma receptor deficiency. Last evaluated: 2021-11-19. Review status: criteria provided, single submitter. Criteria: Invitae Variant Classification Sherloc (09022015). Collection method: clinical testing. Allele origin: germline.
Comment: The frequency data for this variant in the population databases is considered unreliable, as metrics indicate poor data quality at this position in the gnomAD database. This sequence change replaces arginine, which is basic and polar, with tryptophan, which is neutral and slightly polar, at codon 125 of the RORC protein (p.Arg125Trp). This variant has not been reported in the literature in individuals affected with RORC-related conditions. Algorithms developed to predict the effect of missense changes on protein structure and function are either unavailable or do not agree on the potential impact of this missense change (SIFT: "Deleterious"; PolyPhen-2: "Possibly Damaging"; Align-GVGD: "Class C0"). In summary, the available evidence is currently insufficient to determine the role of this variant in disease. Therefore, it has been classified as a Variant of Uncertain Significance.

NM_005060.4(RORC):c.373C>T (p.Arg125Trp)

Gene: RORC (RAR related orphan receptor C; minus strand). Cytogenetic location: 1q21.3.
Variant type: single nucleotide variant.
Coding change: c.373C>T on transcript NM_005060.4 (MANE Select); coding-DNA position 373, C replaced by T.
Protein change: p.Arg125Trp; replaces arginine 125 with tryptophan.
Molecular consequence: missense variant.
Genome position (GRCh38, 1-based): chr1:151,815,351, G>A on the plus strand (C>T on the coding strand, the complement: RORC is on the minus strand). VCF-style: chr1-151815351-G-A. GRCh37 (hg19) VCF-style: chr1-151787827-G-A.
Other names: c.310C>T, p.Arg104Trp (NM_001001523.2); short protein forms R125W, R104W.
Identifiers: ClinVar variation 1428120 (VCV001428120.5), dbSNP rs767984181, ClinGen allele CA1095931.
Genomic context (GRCh38, chr1:151,815,351, plus strand): 5'-CTGCTCCTTGGGCCCCTGCTGGAGGGGTCTTGACCACTGGTTCCTGTTGCTGCTGTTGCC[G>A]CTGCTGCAGCTGTTTCTGCACTTCTGCATGCAGGCTGTCCCTCTGCTTCTTGGACATGCG-3'
Protein context (NP_005051.2, residues 115-135): HAEVQKQLQQ[Arg125Trp]QQQQQEPVVK